The following is an entry in ClinVar:

ClinVar aggregate classification (germline): Uncertain significance (1 of 4 stars; one submission).

Allele frequency attached by ClinVar (database versions not stated): gnomAD 0.00001; TOPMed 0.00002; ExAC 0.00003.
gnomAD v4.1: 21 of 1,614,108 alleles (0.0013%); highest among the groups gnomAD compares: East Asian, 0.04%; no homozygotes.

Submission:

GeneDx
Classification: Uncertain significance. Last evaluated: 2022-05-09. Review status: criteria provided, single submitter. Criteria: GeneDx Variant Classification Process June 2021. Collection method: clinical testing. Allele origin: germline. Affected: yes.
Comment: In silico analysis supports that this missense variant has a deleterious effect on protein structure/function; Identified in one individual from a cohort with congenital hypothyroidism, although additional information was not provided (Long et al., 2018); This variant is associated with the following publications: (PMID: 30022773)

NM_003235.5(TG):c.8137G>A (p.Ala2713Thr)

Gene: TG (thyroglobulin; plus strand). Cytogenetic location: 8q24.22.
Variant type: single nucleotide variant.
Coding change: c.8137G>A on transcript NM_003235.5 (MANE Select); coding-DNA position 8137, G replaced by A.
Protein change: p.Ala2713Thr; replaces alanine 2713 with threonine.
Molecular consequence: missense variant.
Genome position (GRCh38, 1-based): chr8:133,133,609, G>A. VCF-style: chr8-133133609-G-A. GRCh37 (hg19) VCF-style: chr8-134145853-G-A.
Other names: short protein forms A2713T.
Identifiers: ClinVar variation 1723792 (VCV001723792.2), dbSNP rs749517425, ClinGen allele CA4885902.